The following is an entry in ClinVar:

ClinVar aggregate classification (germline): Uncertain significance (1 of 4 stars; one submission).

Submission:

Ambry Genetics
Classification: Uncertain significance. Last evaluated: 2023-11-03. Review status: criteria provided, single submitter. Criteria: Ambry Variant Classification Scheme 2023. Collection method: clinical testing. Allele origin: germline.
Comment: The p.E600Q variant (also known as c.1798G>C), located in coding exon 12 of the RINT1 gene, results from a G to C substitution at nucleotide position 1798. The glutamic acid at codon 600 is replaced by glutamine, an amino acid with highly similar properties. This amino acid position is conserved. In addition, this alteration is predicted to be tolerated by in silico analysis. Since supporting evidence is limited at this time, the clinical significance of this alteration remains unclear.

NM_021930.6(RINT1):c.1798G>C (p.Glu600Gln)

Gene: RINT1 (RAD50 interactor 1; plus strand). Cytogenetic location: 7q22.3.
Variant type: single nucleotide variant.
Coding change: c.1798G>C on transcript NM_021930.6 (MANE Select); coding-DNA position 1798, G replaced by C.
Protein change: p.Glu600Gln; replaces glutamic acid 600 with glutamine.
Molecular consequence: missense variant. On other transcripts: non-coding transcript variant (1).
Genome position (GRCh38, 1-based): chr7:105,563,859, G>C. VCF-style: chr7-105563859-G-C. GRCh37 (hg19) VCF-style: chr7-105204306-G-C.
Other names: c.1564G>C, p.Glu522Gln (NM_001346599.2); c.775G>C, p.Glu259Gln (NM_001346600.2, NM_001346603.2); c.874G>C, p.Glu292Gln (NM_001346601.2); short protein forms E259Q, E292Q, E522Q, E600Q.
Identifiers: ClinVar variation 3227615 (VCV003227615.1), dbSNP rs2485176033, ClinGen allele CA368813965.